The following is an entry in ClinVar:

NM_018489.3(ASH1L):c.5578G>A (p.Ala1860Thr)

Gene: ASH1L (ASH1 like histone lysine methyltransferase; minus strand). Cytogenetic location: 1q22.
Variant type: single nucleotide variant.
Coding change: c.5578G>A on transcript NM_018489.3 (MANE Select); coding-DNA position 5578, G replaced by A.
Protein change: p.Ala1860Thr; replaces alanine 1860 with threonine.
Molecular consequence: missense variant.
Genome position (GRCh38, 1-based): chr1:155,438,577, C>T on the plus strand (G>A on the coding strand, the complement: ASH1L is on the minus strand). VCF-style: chr1-155438577-C-T. GRCh37 (hg19) VCF-style: chr1-155408368-C-T.
Other names: c.5578G>A, p.Ala1860Thr (NM_001366177.2); short protein forms A1860T.
Identifiers: ClinVar variation 873481 (VCV000873481.6), dbSNP rs752491383, ClinGen allele CA1146731.
Genomic context (GRCh38, chr1:155,438,577, plus strand): 5'-CTCTGTTCAATTCTGGGTTGACAAACTGAGCAGCCTGGAATGCTTGCATTGATACGACAG[C>T]CTGAAGGGGACATTTCCGAGGTCGACCTGGCCTACGTTTCACAAAGTTATTCCCTGTCCT-3'
Protein context (NP_060959.2, residues 1850-1870): PGRPRKCPLQ[Ala1860Thr]VVSMQAFQAA

ClinVar aggregate classification (germline): Uncertain significance. Review status: criteria provided, multiple submitters, no conflicts (2 of 4 stars). 3 submissions from 3 submitters: Uncertain significance (3). Last evaluated 2023-04-11.

Conditions:
ASH1L-related neurodevelopmental disorders.
Intellectual developmental disorder, autosomal dominant 52. Also called: Mental retardation, autosomal dominant 52; Intellectual disability, autosomal dominant 52. Identifiers: MedGen C4540478, MONDO:0030918, OMIM 617796.

Allele frequency attached by ClinVar (database versions not stated): TOPMed 0.00003; gnomAD 0.00005 and 0.00004.
gnomAD v4.1: 11 of 1,614,082 alleles (0.00068%); highest among the groups gnomAD compares: Admixed American, 0.012%; no homozygotes.

Submissions (3):

Genome-Nilou Lab
Classification: Uncertain significance for Intellectual developmental disorder, autosomal dominant 52. Last evaluated: 2023-04-11. Review status: criteria provided, single submitter. Criteria: ACMG Guidelines, 2015. Collection method: clinical testing. Allele origin: germline. Affected: no.

Fulgent Genetics
Classification: Uncertain significance for Intellectual developmental disorder, autosomal dominant 52. Last evaluated: 2022-03-21. Review status: criteria provided, single submitter. Criteria: ACMG Guidelines, 2015. Collection method: clinical testing. Allele origin: unknown.

Illumina Laboratory Services, Illumina
Classification: Uncertain significance for ASH1L-related neurodevelopmental disorders. Last evaluated: 2020-01-22. Review status: criteria provided, single submitter. Criteria: ICSLVariantClassificationCriteria RUGD 01 April 2020. Collection method: clinical testing. Allele origin: unknown.
Comment: The ASH1L c.5578G>A (p.Ala1860Thr) variant is a missense variant. A literature search was performed for the gene, cDNA change, and amino acid change. No publications were found based on this search. This variant is not reported in the Genome Aggregation Database in a region of good sequencing coverage, so the variant is presumed to be rare. Based on the limited evidence, the p.Ala1860Thr variant is classified as a variant of unknown significance for ASH1L-related neurodevelopmental disorders.